The following is an entry in ClinVar:

NM_003309.4(TSPYL1):c.376C>T (p.Gln126Ter)

Genes: DSE (dermatan sulfate epimerase; plus strand), TSPYL1 (TSPY like 1; minus strand), LOC129997035 (ATAC-STARR-seq lymphoblastoid active region 24984; plus strand). Cytogenetic location: 6q22.1.
Variant type: single nucleotide variant.
Coding change: c.376C>T on transcript NM_003309.4 (MANE Select); coding-DNA position 376, C replaced by T.
Protein change: p.Gln126Ter; replaces glutamine 126 with a stop codon.
Molecular consequence: nonsense. On other transcripts: intron variant (6).
Genome position (GRCh38, 1-based): chr6:116,279,455, G>A on the plus strand (C>T on the coding strand, the complement: TSPYL1 is on the minus strand). VCF-style: chr6-116279455-G-A. GRCh37 (hg19) VCF-style: chr6-116600618-G-A.
Other names: c.-954+20488G>A (NM_001374520.1); c.-54+20488G>A (NM_001322937.2, NM_001322938.2, NM_001374522.1); c.-641+20488G>A (NM_001374521.1); c.-611+20488G>A (NM_001322940.2); short protein forms Q126*.
Identifiers: ClinVar variation 4884863 (VCV004884863.1).

ClinVar aggregate classification (germline): Likely pathogenic (1 of 4 stars; one submission).

Conditions:
Sudden infant death-dysgenesis of the testes syndrome. Identifiers: Orphanet 168593, MedGen C1837371, MONDO:0012124, OMIM 608800.

Submission:

Genetics Laboratory, Department of Biology, Semnan University
Classification: Likely pathogenic for Sudden infant death-dysgenesis of the testes syndrome. Last evaluated: 2021-12-24. Review status: criteria provided, single submitter. Criteria: ACMG Guidelines, 2015. Collection method: research. Allele origin: germline. Inheritance: Autosomal recessive inheritance. Affected: no.
Comment: The identified variant leads to the substitution of Glutamine 126 with stop codon (Q126Ter) in the TSPYL1 gene mRNA. Hence, this substitution could alter the amino acid sequence and could leads to a decreased or loss of function of mutated protein.

Literature cited by the submitters: DOI 10.1002/ajmg.a.61842.